The following is an entry in ClinVar:

NM_004360.5(CDH1):c.1087A>G (p.Ile363Val)

Gene: CDH1 (cadherin 1; plus strand). Cytogenetic location: 16q22.1.
Variant type: single nucleotide variant.
Coding change: c.1087A>G on transcript NM_004360.5 (MANE Select); coding-DNA position 1087, A replaced by G.
Protein change: p.Ile363Val; replaces isoleucine 363 with valine.
Molecular consequence: missense variant. On other transcripts: 5 prime UTR variant (2).
Genome position (GRCh38, 1-based): chr16:68,812,213, A>G. VCF-style: chr16-68812213-A-G. GRCh37 (hg19) VCF-style: chr16-68846116-A-G.
Other names: c.1087A>G, p.Ile363Val (NM_001317184.2); c.-529A>G (NM_001317185.2); c.-733A>G (NM_001317186.2); short protein forms I363V.
Identifiers: ClinVar variation 822096 (VCV000822096.12), dbSNP rs1555515740, ClinGen allele CA396460086.
Genomic context (GRCh38, chr16:68,812,213, plus strand): 5'-CTGGTGGTTCAAGCTGCTGACCTTCAAGGTGAGGGGTTAAGCACAACAGCAACAGCTGTG[A>G]TCACAGTCACTGACACCAACGATAATCCTCCGATCTTCAATCCCACCACGGTAATTCTAT-3'
Protein context (NP_004351.1, residues 353-373): EGLSTTATAV[Ile363Val]TVTDTNDNPP

ClinVar aggregate classification (germline): Conflicting classifications of pathogenicity. Review status: criteria provided, conflicting classifications (1 of 4 stars). 2 submissions from 2 submitters: Uncertain significance (1); Likely benign (1). Last evaluated 2024-02-15.

Conditions:
Hereditary diffuse gastric adenocarcinoma (HDGC). Also called: DIFFUSE GASTRIC AND LOBULAR BREAST CANCER SYNDROME. Identifiers: Orphanet 26106, MedGen C1708349, MONDO:0007648, OMIM 137215.
Hereditary cancer-predisposing syndrome. Also called: Hereditary Cancer Syndrome; Neoplastic Syndromes, Hereditary; Hereditary neoplastic syndrome; Tumor predisposition. Identifiers: Orphanet 140162, MedGen C0027672, MeSH D009386, MONDO:0015356.

Submissions (2):

Ambry Genetics
Classification: Likely benign for Hereditary cancer-predisposing syndrome. Last evaluated: 2024-02-15. Review status: criteria provided, single submitter. Criteria: Ambry Variant Classification Scheme 2023. Collection method: clinical testing. Allele origin: germline.

Labcorp Genetics (formerly Invitae), Labcorp
Classification: Uncertain significance for Hereditary diffuse gastric adenocarcinoma. Last evaluated: 2021-04-27. Review status: criteria provided, single submitter. Criteria: Invitae Variant Classification Sherloc (09022015). Collection method: clinical testing. Allele origin: germline.
Comment: In summary, the available evidence is currently insufficient to determine the role of this variant in disease. Therefore, it has been classified as a Variant of Uncertain Significance. Algorithms developed to predict the effect of missense changes on protein structure and function (SIFT, PolyPhen-2, Align-GVGD) all suggest that this variant is likely to be tolerated, but these predictions have not been confirmed by published functional studies and their clinical significance is uncertain. This variant has not been reported in the literature in individuals with CDH1-related conditions. ClinVar contains an entry for this variant (Variation ID: 822096). This variant is not present in population databases (ExAC no frequency). This sequence change replaces isoleucine with valine at codon 363 of the CDH1 protein (p.Ile363Val). The isoleucine residue is highly conserved and there is a small physicochemical difference between isoleucine and valine.